The following is an entry in ClinVar:

ClinVar aggregate classification (germline): Likely benign. Review status: criteria provided, multiple submitters, no conflicts (2 of 4 stars). 3 submissions from 3 submitters: Likely benign (2). 1 of the submissions does not count toward it. Last evaluated 2025-02-16.

Conditions:
PADI6-related disorder. Also called: PADI6-related condition.

Allele frequency attached by ClinVar (database versions not stated): ExAC 0.00034; gnomAD exomes 0.00047 and 0.00072; TOPMed 0.00047; gnomAD 0.00057 and 0.00058; ESP Exome Variant Server 0.00070.
gnomAD v4.1: 1,118 of 1,613,970 alleles (0.069%); highest among the groups gnomAD compares: Non-Finnish European, 0.087%; no homozygotes.

Submissions (3):

Laboratory of Genetics, Children's Clinical University Hospital Latvia
Classification: Likely benign. Last evaluated: 2025-02-16. Review status: criteria provided, single submitter. Criteria: ACMG Guidelines, 2015. Collection method: clinical testing. Allele origin: germline. Affected: yes.

CeGaT Center for Human Genetics Tuebingen
Classification: Likely benign. Last evaluated: 2023-03-01. Review status: criteria provided, single submitter. Criteria: CeGaT Center For Human Genetics Tuebingen Variant Classification Criteria Version 2. Collection method: clinical testing. Allele origin: germline. Affected: yes. Observed: 2 variant alleles.
Comment: PADI6: BP4, BP7

PreventionGenetics, part of Exact Sciences
Classification: Likely benign for PADI6-related condition. Last evaluated: 2020-08-03. Review status: no assertion criteria provided. Collection method: clinical testing. Allele origin: germline. Not counted in ClinVar's aggregate classification.
Comment: This variant is classified as likely benign based on ACMG/AMP sequence variant interpretation guidelines (Richards et al. 2015 PMID: 25741868, with internal and published modifications).

NM_207421.4(PADI6):c.243G>A (p.Thr81=)

Gene: PADI6 (peptidyl arginine deiminase 6; plus strand). Cytogenetic location: 1p36.13.
Variant type: single nucleotide variant.
Coding change: c.243G>A on transcript NM_207421.4 (MANE Select); coding-DNA position 243, G replaced by A.
Protein change: p.Thr81=; no amino-acid change (threonine 81 retained).
Molecular consequence: synonymous variant.
Genome position (GRCh38, 1-based): chr1:17,373,182, G>A. VCF-style: chr1-17373182-G-A. GRCh37 (hg19) VCF-style: chr1-17699677-G-A.
Identifiers: ClinVar variation 1334958 (VCV001334958.37), dbSNP rs375108657, ClinGen allele CA641244.